The following is an entry in ClinVar:

NM_000297.4(PKD2):c.2378_2384del (p.His793fs)

Gene: PKD2 (polycystin 2, transient receptor potential cation channel; plus strand). Cytogenetic location: 4q22.1.
Variant type: Deletion.
Coding change: c.2378_2384del on transcript NM_000297.4 (MANE Select); coding-DNA positions 2378 to 2384, 7 bases deleted (ACAGTTC; older notation c.2378_2384delACAGTTC).
Protein change: p.His793fs; shifts the reading frame from histidine 793.
Molecular consequence: frameshift variant. On other transcripts: non-coding transcript variant (1).
Genome position (GRCh38, 1-based): chr4:88,067,917-88,067,923, ACAGTTC deleted; deleting any 7 consecutive bases within chr4:88,067,915-88,067,923 gives the same sequence; the c. name uses the placement nearest the transcript's 3' end. VCF-style (leftmost placement, unchanged base first): chr4-88067914-ATCACAGT-A. GRCh37 (hg19) VCF-style: chr4-88989066-ATCACAGT-A.
Other names: c.2376_2382del (NM_000297.4); short protein forms H793fs.
Identifiers: ClinVar variation 873384 (VCV000873384.1), dbSNP rs1720855394, ClinGen allele CA1139658562.

ClinVar aggregate classification (germline): Pathogenic (1 of 4 stars; one submission).

Conditions:
Polycystic kidney disease 2 (PKD2). Also called: POLYCYSTIC KIDNEY DISEASE 2 WITH OR WITHOUT POLYCYSTIC LIVER DISEASE; Polycystic Kidney Disease 2, Autosomal Dominant; POLYCYSTIC KIDNEY DISEASE, ADULT, TYPE II. Identifiers: MedGen C2751306, MONDO:0013131, OMIM 613095.

Submission:

Cavalleri Lab, Royal College of Surgeons in Ireland
Classification: Pathogenic for Polycystic kidney disease 2. Last evaluated: 2020-02-05. Review status: criteria provided, single submitter. Criteria: ACMG Guidelines, 2015. Collection method: research. Allele origin: unknown. Inheritance: Autosomal dominant inheritance. Affected: yes.
Comment: PVS1, PM2, PP4